The following is an entry in ClinVar:

NM_000282.4(PCCA):c.414+15A>G

Gene: PCCA (propionyl-CoA carboxylase subunit alpha; plus strand). Cytogenetic location: 13q32.3.
Variant type: single nucleotide variant.
Coding change: c.414+15A>G on transcript NM_000282.4 (MANE Select); 15 bases into the intron after coding-DNA position 414, A replaced by G.
Molecular consequence: intron variant.
Genome position (GRCh38, 1-based): chr13:100,155,107, A>G. VCF-style: chr13-100155107-A-G. GRCh37 (hg19) VCF-style: chr13-100807361-A-G.
Other names: c.414+15A>G (NM_001178004.2, NM_001352605.2, NM_001352606.2 and 1 more transcripts); c.-453+15A>G (NM_001352610.2, NM_001352611.2, NM_001352612.2); c.336+15A>G (NM_001127692.3, NM_001352607.2, NM_001352608.2).
Identifiers: ClinVar variation 513284 (VCV000513284.6), dbSNP rs1016791209, ClinGen allele CA611991725.
Genomic context (GRCh38, chr13:100,155,107, plus strand): 5'-CATGGATGCCATCATGGAAGCCATTAAGAAAACCAGGGCCCAAGCTGTGAGTCTGAATGA[A>G]TCTATCTACTGCAGCTGTTTCATATGTAGTGAGCAGAAAGCTAGAGTTTGTATTTAAAAA-3'

ClinVar aggregate classification (germline): Likely benign. Review status: criteria provided, multiple submitters, no conflicts (2 of 4 stars). 3 submissions from 3 submitters: Likely benign (3). Last evaluated 2024-08-07.

Conditions:
Propionic acidemia (PROP). Also called: GLYCINEMIA, KETOTIC; HYPERGLYCINEMIA WITH KETOACIDOSIS AND LEUKOPENIA; KETOTIC HYPERGLYCINEMIA. Identifiers: Orphanet 35, MedGen C0268579, MONDO:0011628, OMIM 606054, HP:0003571.

Allele frequency attached by ClinVar (database versions not stated): gnomAD exomes below 0.00001.
gnomAD v4.1: 2 of 1,470,366 alleles (0.00014%); highest among the groups gnomAD compares: Admixed American, 0.0017%; no homozygotes.

Submissions (3):

Labcorp Genetics (formerly Invitae), Labcorp
Classification: Likely benign for Propionic acidemia. Last evaluated: 2024-08-07. Review status: criteria provided, single submitter. Criteria: Invitae Variant Classification Sherloc (09022015). Collection method: clinical testing. Allele origin: germline.

Blueprint Genetics
Classification: Likely benign. Last evaluated: 2024-04-04. Review status: criteria provided, single submitter. Criteria: ACMG Guidelines, 2015. Collection method: clinical testing. Allele origin: germline.

GeneDx
Classification: Likely benign. Last evaluated: 2017-11-22. Review status: criteria provided, single submitter. Criteria: GeneDx Variant Classification (06012015). Collection method: clinical testing. Allele origin: germline. Affected: yes.
Comment: This variant is considered likely benign or benign based on one or more of the following criteria: it is a conservative change, it occurs at a poorly conserved position in the protein, it is predicted to be benign by multiple in silico algorithms, and/or has population frequency not consistent with disease.